The following is an entry in ClinVar:

ClinVar aggregate classification (germline): Uncertain significance (1 of 4 stars; one submission).

Conditions:
Brugada syndrome 8 (BRGDA8). Identifiers: Orphanet 130, MedGen C2751083, MONDO:0013148, OMIM 613123.

Allele frequency attached by ClinVar (database versions not stated): gnomAD exomes below 0.00001 and 0.00001.
gnomAD v4.1: 1 of 1,571,810 alleles (0.000064%); no homozygotes.

Submission:

Labcorp Genetics (formerly Invitae), Labcorp
Classification: Uncertain significance for Brugada syndrome 8. Last evaluated: 2021-12-29. Review status: criteria provided, single submitter. Criteria: Invitae Variant Classification Sherloc (09022015). Collection method: clinical testing. Allele origin: germline.
Comment: This sequence change replaces glycine, which is neutral and non-polar, with aspartic acid, which is acidic and polar, at codon 915 of the HCN4 protein (p.Gly915Asp). The frequency data for this variant in the population databases is considered unreliable, as metrics indicate poor data quality at this position in the gnomAD database. This variant has not been reported in the literature in individuals affected with HCN4-related conditions. Advanced modeling of protein sequence and biophysical properties (such as structural, functional, and spatial information, amino acid conservation, physicochemical variation, residue mobility, and thermodynamic stability) performed at Invitae indicates that this missense variant is not expected to disrupt HCN4 protein function. In summary, the available evidence is currently insufficient to determine the role of this variant in disease. Therefore, it has been classified as a Variant of Uncertain Significance.

NM_005477.3(HCN4):c.2744G>A (p.Gly915Asp)

Gene: HCN4 (hyperpolarization activated cyclic nucleotide gated potassium channel 4; minus strand). Cytogenetic location: 15q24.1.
Variant type: single nucleotide variant.
Coding change: c.2744G>A on transcript NM_005477.3 (MANE Select); coding-DNA position 2744, G replaced by A.
Protein change: p.Gly915Asp; replaces glycine 915 with aspartic acid.
Molecular consequence: missense variant.
Genome position (GRCh38, 1-based): chr15:73,323,349, C>T on the plus strand (G>A on the coding strand, the complement: HCN4 is on the minus strand). VCF-style: chr15-73323349-C-T. GRCh37 (hg19) VCF-style: chr15-73615690-C-T.
Other names: short protein forms G915D.
Identifiers: ClinVar variation 1504440 (VCV001504440.6), dbSNP rs1306789664, ClinGen allele CA393088200.